The following is an entry in ClinVar:

NM_002633.3(PGM1):c.1519_1545delinsC (p.Thr507fs)

Gene: PGM1 (phosphoglucomutase 1; plus strand). Cytogenetic location: 1p31.3.
Variant type: Indel.
Coding change: c.1519_1545delinsC on transcript NM_002633.3 (MANE Select); coding-DNA positions 1519 to 1545, ACTGGGAGTGCCGGGGCCACCATTCGG replaced by C.
Protein change: p.Thr507fs; shifts the reading frame from threonine 507.
Molecular consequence: frameshift variant.
Genome position (GRCh38, 1-based): chr1:63,654,386-63,654,412, ACTGGGAGTGCCGGGGCCACCATTCGG replaced by C. VCF-style: chr1-63654386-ACTGGGAGTGCCGGGGCCACCATTCGG-C. GRCh37 (hg19) VCF-style: chr1-64120057-ACTGGGAGTGCCGGGGCCACCATTCGG-C.
Other names: c.1573_1599delinsC, p.Thr525fs (NM_001172818.1); c.928_954delinsC, p.Thr310fs (NM_001172819.2); short protein forms T310fs, T507fs, T525fs.
Identifiers: ClinVar variation 4291923 (VCV004291923.1).

ClinVar aggregate classification (germline): Pathogenic (1 of 4 stars; one submission).

Conditions:
PGM1-congenital disorder of glycosylation. Also called: GLYCOGEN STORAGE DISEASE XIV; GSD XIV; Congenital disorder of glycosylation type 1t; PHOSPHOGLUCOMUTASE 1 DEFICIENCY; PGM1 DEFICIENCY; CDG It. Identifiers: Orphanet 319646, MedGen C2752015, MONDO:0013968, OMIM 614921.

Submission:

3billion
Classification: Pathogenic for PGM1-congenital disorder of glycosylation. Last evaluated: 2025-02-04. Review status: criteria provided, single submitter. Criteria: ACMG Guidelines, 2015. Collection method: clinical testing. Allele origin: germline. Affected: yes.
Comment: The variant is not observed in the gnomAD v4.1.0 dataset. Predicted Consequence/Location: Frameshift: predicted to result in a loss or disruption of normal protein function through nonsense-mediated decay (NMD) or protein truncation. Multiple pathogenic variants are reported downstream of the variant. The variant has been reported to be associated with PGM1-related disorder (3billion dataset). Therefore, this variant is classified as Pathogenic according to the recommendation of ACMG/AMP guideline.